The following is an entry in ClinVar:

NM_014141.6(CNTNAP2):c.1403A>G (p.Asn468Ser)

Gene: CNTNAP2 (contactin associated protein 2; plus strand). Cytogenetic location: 7q35.
Variant type: single nucleotide variant.
Coding change: c.1403A>G on transcript NM_014141.6 (MANE Select); coding-DNA position 1403, A replaced by G.
Protein change: p.Asn468Ser; replaces asparagine 468 with serine.
Molecular consequence: missense variant.
Genome position (GRCh38, 1-based): chr7:147,300,195, A>G. VCF-style: chr7-147300195-A-G. GRCh37 (hg19) VCF-style: chr7-146997287-A-G.
Other names: short protein forms N468S.
Identifiers: ClinVar variation 1943452 (VCV001943452.5), dbSNP rs1326055549, ClinGen allele CA369925152.
Genomic context (GRCh38, chr7:147,300,195, plus strand): 5'-TACCAGGTTCTGGGTTGAATGATGGACAGTGGCACGAGGTTCGCTTCCTAGCCAAGGAAA[A>G]TTTTGCTATTCTCACCATCGATGGAGATGAAGCATCAGCAGTTCGAACTAATAGTCCCCT-3'
Protein context (NP_054860.1, residues 458-478): WHEVRFLAKE[Asn468Ser]FAILTIDGDE

ClinVar aggregate classification (germline): Uncertain significance (1 of 4 stars; one submission).

Conditions:
Cortical dysplasia-focal epilepsy syndrome (PTHSL1). Also called: Pitt-Hopkins-like syndrome 1. Identifiers: Orphanet 163681, Orphanet 221150, MedGen C2750246, MONDO:0012400, OMIM 610042.

Submission:

Labcorp Genetics (formerly Invitae), Labcorp
Classification: Uncertain significance for Cortical dysplasia-focal epilepsy syndrome. Last evaluated: 2022-03-13. Review status: criteria provided, single submitter. Criteria: Invitae Variant Classification Sherloc (09022015). Collection method: clinical testing. Allele origin: germline.
Comment: This variant is not present in population databases (gnomAD no frequency). This sequence change replaces asparagine, which is neutral and polar, with serine, which is neutral and polar, at codon 468 of the CNTNAP2 protein (p.Asn468Ser). This variant has not been reported in the literature in individuals affected with CNTNAP2-related conditions. Algorithms developed to predict the effect of missense changes on protein structure and function are either unavailable or do not agree on the potential impact of this missense change (SIFT: "Deleterious"; PolyPhen-2: "Benign"; Align-GVGD: "Class C0"). In summary, the available evidence is currently insufficient to determine the role of this variant in disease. Therefore, it has been classified as a Variant of Uncertain Significance.